The following is an entry in ClinVar:

NM_006517.5(SLC16A2):c.1538G>C (p.Ser513Thr)

Gene: SLC16A2 (solute carrier family 16 member 2; plus strand). Cytogenetic location: Xq13.2.
Variant type: single nucleotide variant.
Coding change: c.1538G>C on transcript NM_006517.5 (MANE Select); coding-DNA position 1538, G replaced by C.
Protein change: p.Ser513Thr; replaces serine 513 with threonine.
Molecular consequence: missense variant.
Genome position (GRCh38, 1-based): chrX:74,531,471, G>C. VCF-style: chrX-74531471-G-C. GRCh37 (hg19) VCF-style: chrX-73751306-G-C.
Other names: c.1760G>C (NM_006517.3); c.1538G>C (NM_006517.4); short protein forms S513T.
Identifiers: ClinVar variation 1879770 (VCV001879770.32), dbSNP rs746117006, ClinGen allele CA10454544.

ClinVar aggregate classification (germline): Uncertain significance. Review status: criteria provided, multiple submitters, no conflicts (2 of 4 stars). 3 submissions from 3 submitters: Uncertain significance (3). Last evaluated 2024-10-20.

Conditions:
Inborn genetic diseases. Identifiers: MedGen C0950123, MeSH D030342.

Allele frequency attached by ClinVar (database versions not stated): ExAC 0.00001; TOPMed 0.00003; gnomAD exomes 0.00004; gnomAD 0.00005.
gnomAD v4.1: 45 of 1,209,997 alleles (0.0037%); highest among the groups gnomAD compares: Non-Finnish European, 0.0047%; no homozygotes.

Submissions (3):

Ambry Genetics
Classification: Uncertain significance for Inborn genetic diseases. Last evaluated: 2024-10-20. Review status: criteria provided, single submitter. Criteria: Ambry Variant Classification Scheme 2023. Collection method: clinical testing. Allele origin: germline.

GeneDx
Classification: Uncertain significance. Last evaluated: 2023-09-13. Review status: criteria provided, single submitter. Criteria: GeneDx Variant Classification Process June 2021. Collection method: clinical testing. Allele origin: germline. Affected: yes.
Comment: In silico analysis supports that this missense variant does not alter protein structure/function; Has not been previously published as pathogenic or benign to our knowledge

CeGaT Center for Human Genetics Tuebingen
Classification: Uncertain significance. Last evaluated: 2022-10-01. Review status: criteria provided, single submitter. Criteria: CeGaT Center For Human Genetics Tuebingen Variant Classification Criteria Version 2. Collection method: clinical testing. Allele origin: germline. Affected: yes. Observed: 1 variant allele.